The following is an entry in ClinVar:

NM_000179.3(MSH6):c.1515T>C (p.Tyr505=)

Gene: MSH6 (mutS homolog 6; plus strand). Cytogenetic location: 2p16.3.
Variant type: single nucleotide variant.
Coding change: c.1515T>C on transcript NM_000179.3 (MANE Select); coding-DNA position 1515, T replaced by C.
Protein change: p.Tyr505=; no amino-acid change (tyrosine 505 retained).
Molecular consequence: synonymous variant.
Genome position (GRCh38, 1-based): chr2:47,799,498, T>C. VCF-style: chr2-47799498-T-C. GRCh37 (hg19) VCF-style: chr2-48026637-T-C.
Other names: c.1125T>C, p.Tyr375= (NM_001281492.2); c.609T>C, p.Tyr203= (NM_001281493.2, NM_001281494.2).
Identifiers: ClinVar variation 237136 (VCV000237136.10), dbSNP rs878853704, ClinGen allele CA10582050.

ClinVar aggregate classification (germline): Benign/Likely benign. Review status: criteria provided, multiple submitters, no conflicts (2 of 4 stars). 2 submissions from 2 submitters: Benign (1); Likely benign (1). Last evaluated 2024-12-26.

Conditions:
Lynch syndrome 5 (LYNCH5). Also called: Colorectal cancer, hereditary nonpolyposis, type 5; Hereditary non-polyposis colorectal cancer, type 5. Identifiers: Orphanet 144, MedGen C1833477, MONDO:0013710, OMIM 614350. Disease mechanism: loss of function.
Hereditary nonpolyposis colorectal neoplasms. Identifiers: MedGen C0009405, MeSH D003123.

Allele frequency attached by ClinVar (database versions not stated): gnomAD exomes below 0.00001.

Submissions (2):

Myriad Genetics, Inc.
Classification: Benign for Lynch syndrome 5. Last evaluated: 2024-12-26. Review status: criteria provided, single submitter. Criteria: Myriad Autosomal Dominant, Autosomal Recessive and X-Linked Classification Criteria (2023). Collection method: clinical testing. Allele origin: unknown.
Comment: This variant is considered benign. This variant is a silent/synonymous amino acid change and it is not expected to impact splicing.

Labcorp Genetics (formerly Invitae), Labcorp
Classification: Likely benign for Hereditary nonpolyposis colorectal neoplasms. Last evaluated: 2022-02-21. Review status: criteria provided, single submitter. Criteria: Invitae Variant Classification Sherloc (09022015). Collection method: clinical testing. Allele origin: germline.